The following is an entry in ClinVar:

NM_007294.4(BRCA1):c.4508C>G (p.Ser1503Ter)

Gene: BRCA1 (BRCA1 DNA repair associated; minus strand). Cytogenetic location: 17q21.31.
Variant type: single nucleotide variant.
Coding change: c.4508C>G on transcript NM_007294.4 (MANE Select); coding-DNA position 4508, C replaced by G.
Protein change: p.Ser1503Ter; replaces serine 1503 with a stop codon.
Molecular consequence: nonsense. On other transcripts: non-coding transcript variant (1).
Genome position (GRCh38, 1-based): chr17:43,074,498, G>C on the plus strand (C>G on the coding strand, the complement: BRCA1 is on the minus strand). VCF-style: chr17-43074498-G-C. GRCh37 (hg19) VCF-style: chr17-41226515-G-C.
Other names: c.1070C>G, p.Ser357Ter (NM_001408447.1, NM_001408445.1, NM_001408446.1 and 2 more transcripts); c.4295C>G, p.Ser1432Ter (NM_001407571.1, NM_001407907.1, NM_001407908.1 and 12 more transcripts); c.4574C>G, p.Ser1525Ter (NM_001407581.1, NM_001407582.1); c.4571C>G, p.Ser1524Ter (NM_001407583.1, NM_001407585.1, NM_001407587.1 and 1 more transcripts); c.4568C>G, p.Ser1523Ter (NM_001407590.1, NM_001407591.1); c.4508C>G, p.Ser1503Ter (NM_001407593.1, NM_001407594.1, NM_001407684.1 and 8 more transcripts); c.4505C>G, p.Ser1502Ter (NM_001407614.1, NM_001407615.1, NM_001407616.1 and 17 more transcripts); c.4502C>G, p.Ser1501Ter (NM_001407633.1, NM_001407634.1, NM_001407635.1 and 14 more transcripts); and 68 more; short protein forms S1503*, S399*, S1456*, S1524*, S1206*, S1374*, S1391*, S1433*.
Identifiers: ClinVar variation 440476 (VCV000440476.13), dbSNP rs80357437, ClinGen allele CA10592512.

ClinVar aggregate classification (germline): Pathogenic. Review status: reviewed by expert panel (3 of 4 stars). 5 submissions from 5 submitters: Pathogenic (1). 4 of the submissions do not count toward it. Last evaluated 2017-12-15.

Conditions:
Hereditary breast ovarian cancer syndrome. Also called: Hereditary breast and ovarian cancer syndrome (HBOC); BRCA1- and BRCA2-Associated Hereditary Breast and Ovarian Cancer; Hereditary breast and/or ovarian cancer syndrome; Hereditary breast and ovarian cancer syndrome; Hereditary breast and ovarian cancer; Breast and ovarian cancer. Identifiers: Orphanet 145, MedGen C0677776, MeSH D061325, MONDO:0003582. Disease mechanism: loss of function.
Breast-ovarian cancer, familial, susceptibility to, 1 (BROVCA1). Also called: BRCA1 Hereditary Breast and Ovarian Cancer; OVARIAN CANCER, SUSCEPTIBILITY TO. Identifiers: Orphanet 145, MedGen C2676676, MONDO:0011450, OMIM 604370. Disease mechanism: loss of function.

Submissions (5):

Evidence-based Network for the Interpretation of Germline Mutant Alleles (ENIGMA)
Classification: Pathogenic for Breast-ovarian cancer, familial, susceptibility to, 1. Last evaluated: 2017-12-15. Review status: reviewed by expert panel. Criteria: ENIGMA BRCA1/2 Classification Criteria (2017-06-29). Collection method: curation. Allele origin: germline. Study: ENIGMA.
Comment: Variant allele predicted to encode a truncated non-functional protein.

Labcorp Genetics (formerly Invitae), Labcorp
Classification: Pathogenic for Hereditary breast ovarian cancer syndrome. Last evaluated: 2020-12-13. Review status: criteria provided, single submitter. Criteria: Invitae Variant Classification Sherloc (09022015). Collection method: clinical testing. Allele origin: germline. Not counted in ClinVar's aggregate classification.
Comment: This variant is not present in population databases (ExAC no frequency). For these reasons, this variant has been classified as Pathogenic. Loss-of-function variants in BRCA1 are known to be pathogenic (PMID: 20104584). This variant has been observed in individual(s) with breast and/or ovarian cancer (PMID: 30702160). ClinVar contains an entry for this variant (Variation ID: 440476). This sequence change creates a premature translational stop signal (p.Ser1503*) in the BRCA1 gene. It is expected to result in an absent or disrupted protein product.

Women's Health and Genetics/Laboratory Corporation of America, LabCorp
Classification: Pathogenic for Hereditary breast and ovarian cancer syndrome. Last evaluated: 2019-07-29. Review status: criteria provided, single submitter. Criteria: LabCorp Variant Classification Summary - May 2015. Collection method: clinical testing. Allele origin: germline. Not counted in ClinVar's aggregate classification.
Comment: Variant summary: BRCA1 c.4508C>G (p.Ser1503X; legacy name : c.4627C>G) results in a premature termination codon, predicted to cause a truncation of the encoded protein or absence of the protein due to nonsense mediated decay, which are commonly known mechanisms for disease. The variant was absent in 251308 control chromosomes (gnomAD). c.4508C>G has been reported in the literature in an individual affected with Hereditary Breast and Ovarian Cancer (Bhaskaran_2019). In addition, a different nucleotide change (c.4508C>A) resulting in the same codon change (p.Ser1503X) has been reported in several families affected with breast and/or ovarian cancer (Rashid_2006). p.Ser1503X is reported in the literature to be a founder mutation in Pakistani population (Shanmughapriya _2013, Ferla _2007, Wu _2017). These data indicate that the variant is very likely to be associated with disease. To our knowledge, no experimental evidence demonstrating an impact on protein function has been reported. Three submitters, including one expert panel (ENIGMA), have provided clinical-significance assessments for this variant to ClinVar after 2014 without evidence for independent evaluation and classified the variant as pathogenic. Based on the evidence outlined above, the variant was classified as pathogenic.

Quest Diagnostics Nichols Institute San Juan Capistrano
Classification: Pathogenic. Last evaluated: 2016-09-15. Review status: criteria provided, single submitter. Criteria: Quest Diagnostics criteria. Collection method: clinical testing. Allele origin: germline. Not counted in ClinVar's aggregate classification.

BRCAlab, Lund University
Classification: Pathogenic for Breast-ovarian cancer, familial, susceptibility to, 1. Last evaluated: 2020-03-02. Review status: no assertion criteria provided. Collection method: clinical testing. Allele origin: germline. Affected: yes. Not counted in ClinVar's aggregate classification.

Literature cited by the submitters: PubMed 20104584 (cited by Labcorp Genetics (formerly Invitae), Labcorp); PubMed 30702160 (cited by Labcorp Genetics (formerly Invitae), Labcorp and Women's Health and Genetics/Laboratory Corporation of America, LabCorp); PubMed 16267036 (cited by Women's Health and Genetics/Laboratory Corporation of America, LabCorp); PubMed 17591843 (cited by Women's Health and Genetics/Laboratory Corporation of America, LabCorp and Quest Diagnostics Nichols Institute San Juan Capistrano); PubMed 16998791 (cited by Women's Health and Genetics/Laboratory Corporation of America, LabCorp and Quest Diagnostics Nichols Institute San Juan Capistrano); PubMed 23364291 (cited by Women's Health and Genetics/Laboratory Corporation of America, LabCorp); PubMed 28771233 (cited by Women's Health and Genetics/Laboratory Corporation of America, LabCorp); PubMed 12181777 (cited by Quest Diagnostics Nichols Institute San Juan Capistrano); PubMed 16683254 (cited by Quest Diagnostics Nichols Institute San Juan Capistrano).